The following is an entry in ClinVar:

NM_001130987.2(DYSF):c.147+1G>A

Gene: DYSF (dysferlin; plus strand). Cytogenetic location: 2p13.2.
Variant type: single nucleotide variant.
Coding change: c.147+1G>A on transcript NM_001130987.2 (MANE Select); the canonical splice donor site of the intron after coding-DNA position 147, G replaced by A.
Molecular consequence: splice donor variant.
Genome position (GRCh38, 1-based): chr2:71,480,939, G>A. VCF-style: chr2-71480939-G-A. GRCh37 (hg19) VCF-style: chr2-71708069-G-A.
Other names: c.144+1G>A (NM_001130979.2, NM_001130981.2, NM_001130980.2 and 4 more transcripts); c.147+1G>A (NM_001130982.2, NM_001130985.2, NM_001130983.2 and 3 more transcripts).
Identifiers: ClinVar variation 973349 (VCV000973349.8), dbSNP rs2082833010, ClinGen allele CA347216132.

ClinVar aggregate classification (germline): Pathogenic. Review status: criteria provided, multiple submitters, no conflicts (2 of 4 stars). 2 submissions from 2 submitters: Pathogenic (2). Last evaluated 2022-10-28.

Conditions:
Distal myopathy with anterior tibial onset. Identifiers: Orphanet 178400, MedGen C1847532, MONDO:0011721, OMIM 606768.
Miyoshi muscular dystrophy 1 (MMD1). Identifiers: Orphanet 45448, MedGen C4551973, MONDO:0024545, OMIM 254130.
Autosomal recessive limb-girdle muscular dystrophy type 2B (LGMDR2). Also called: Limb-girdle muscular dystrophy, type 2B; MUSCULAR DYSTROPHY, LIMB-GIRDLE, AUTOSOMAL RECESSIVE 2; MUSCULAR DYSTROPHY, LIMB-GIRDLE, TYPE 3; Limb-Girdle Muscular Dystrophy Type 2B (LGMD2B). Identifiers: Orphanet 268, MedGen C1850889, MONDO:0009676, OMIM 253601.
Neuromuscular disease caused by qualitative or quantitative defects of dysferlin. Also called: Dysferlinopathy; Qualitative or quantitative defects of dysferlin. Identifiers: Orphanet 207073, MedGen C2931687, MONDO:0016145.

Allele frequency attached by ClinVar (database versions not stated): TOPMed below 0.00001.

Submissions (2):

Labcorp Genetics (formerly Invitae), Labcorp
Classification: Pathogenic for Neuromuscular disease caused by qualitative or quantitative defects of dysferlin. Last evaluated: 2022-10-28. Review status: criteria provided, single submitter. Criteria: Invitae Variant Classification Sherloc (09022015). Collection method: clinical testing. Allele origin: germline.
Comment: Algorithms developed to predict the effect of sequence changes on RNA splicing suggest that this variant may disrupt the consensus splice site. For these reasons, this variant has been classified as Pathogenic. This sequence change affects a donor splice site in intron 2 of the DYSF gene. It is expected to disrupt RNA splicing. Variants that disrupt the donor or acceptor splice site typically lead to a loss of protein function (PMID: 16199547), and loss-of-function variants in DYSF are known to be pathogenic (PMID: 17698709, 20301480). This variant is not present in population databases (gnomAD no frequency). Disruption of this splice site has been observed in individual(s) with DYSF-related conditions (PMID: 27347015, 27647186). In at least one individual the data is consistent with being in trans (on the opposite chromosome) from a pathogenic variant. ClinVar contains an entry for this variant (Variation ID: 973349).

Diagnostics Services (NGS), CSIR - Centre For Cellular And Molecular Biology
Classification: Pathogenic for Miyoshi muscular dystrophy 1; Autosomal recessive limb-girdle muscular dystrophy type 2B; Distal myopathy with anterior tibial onset. Last evaluated: 2020-03-06. Review status: criteria provided, single submitter. Criteria: ACMG Guidelines, 2015. Collection method: clinical testing. Allele origin: unknown. Inheritance: Autosomal recessive inheritance. Affected: yes. Observed: 1 compound heterozygote.
Comment: The c.147+1G>A variant is a splice-site variant and not present in publicly available databases like 1000 Genomes, Exome Variant Server (EVS), Exome Aggregation Consortium (ExAC) and Genome Aggregation Database (gnomAD). The variant is not present in our in-house exome database. The variant was not reported earlier to OMIM, ClinVar or Human Genome Mutation Database (HGMD) in other affected individuals. In-silico pathogenicity prediction programs like HSF3, MutationTaster2, CADD etc. predicted this variant to be likely deleterious by altering splicing. The variant has been identified along with another heterozygous variant in this gene (NM_001130987.2:c.5246delA), that causes a frameshift in exon 46. The variant has been classified as pathogenic as per ACMG guidelines.

Literature cited by the submitters: PubMed 16199547 (cited by Labcorp Genetics (formerly Invitae), Labcorp); PubMed 17698709 (cited by Labcorp Genetics (formerly Invitae), Labcorp); PubMed 20301480 (cited by Labcorp Genetics (formerly Invitae), Labcorp); PubMed 27347015 (cited by Labcorp Genetics (formerly Invitae), Labcorp); PubMed 27647186 (cited by Labcorp Genetics (formerly Invitae), Labcorp).